The following is an entry in ClinVar:

ClinVar aggregate classification (germline): Uncertain significance. Review status: criteria provided, multiple submitters, no conflicts (2 of 4 stars). 4 submissions from 4 submitters: Uncertain significance (4). Last evaluated 2026-01-11.

Conditions:
Hereditary cancer-predisposing syndrome. Also called: Hereditary Cancer Syndrome; Hereditary neoplastic syndrome; Neoplastic Syndromes, Hereditary; Tumor predisposition. Identifiers: Orphanet 140162, MedGen C0027672, MeSH D009386, MONDO:0015356.

Allele frequency attached by ClinVar (database versions not stated): TOPMed below 0.00001; gnomAD 0.00001.
gnomAD v4.1: 8 of 1,613,270 alleles (0.0005%); highest among the groups gnomAD compares: Non-Finnish European, 0.00068%; no homozygotes.

Submissions (4):

Labcorp Genetics (formerly Invitae), Labcorp
Classification: Uncertain significance. Last evaluated: 2026-01-11. Review status: criteria provided, single submitter. Criteria: Invitae Variant Classification Sherloc (09022015). Collection method: clinical testing. Allele origin: germline.
Comment: This sequence change replaces arginine, which is basic and polar, with cysteine, which is neutral and slightly polar, at codon 1579 of the POLE protein (p.Arg1579Cys). This variant is present in population databases (no rsID available, gnomAD 0.007%). This variant has not been reported in the literature in individuals affected with POLE-related conditions. ClinVar contains an entry for this variant (Variation ID: 405672). Invitae Evidence Modeling of protein sequence and biophysical properties (such as structural, functional, and spatial information, amino acid conservation, physicochemical variation, residue mobility, and thermodynamic stability) indicates that this missense variant is not expected to disrupt POLE protein function with a negative predictive value of 80%. RNA analysis performed to evaluate the impact of this missense change on mRNA splicing indicates it does not significantly alter splicing (internal data). In summary, the available evidence is currently insufficient to determine the role of this variant in disease. Therefore, it has been classified as a Variant of Uncertain Significance.

Ambry Genetics
Classification: Uncertain significance for Hereditary cancer-predisposing syndrome. Last evaluated: 2025-01-09. Review status: criteria provided, single submitter. Criteria: Ambry Variant Classification Scheme 2023. Collection method: clinical testing. Allele origin: germline.
Comment: The p.R1579C variant (also known as c.4735C>T), located in coding exon 37 of the POLE gene, results from a C to T substitution at nucleotide position 4735. The arginine at codon 1579 is replaced by cysteine, an amino acid with highly dissimilar properties. This amino acid position is highly conserved in available vertebrate species. In addition, the in silico prediction for this alteration is inconclusive. Based on the available evidence, the clinical significance of this variant remains unclear.

GeneDx
Classification: Uncertain significance. Last evaluated: 2023-08-07. Review status: criteria provided, single submitter. Criteria: GeneDx Variant Classification Process June 2021. Collection method: clinical testing. Allele origin: germline. Affected: yes.
Comment: In silico analysis supports that this missense variant has a deleterious effect on protein structure/function; Has not been previously published as pathogenic or benign to our knowledge; This variant is associated with the following publications: (PMID: 29320758)

Sema4
Classification: Uncertain significance for Hereditary cancer-predisposing syndrome. Last evaluated: 2021-04-11. Review status: criteria provided, single submitter. Criteria: Sema4 Curation Guidelines. Collection method: curation. Allele origin: germline.
Comment: To the best of our knowledge, the POLE c.4735C>T (p.R1579C) variant has not been reported in individuals with POLE-related disease. It was observed in 1/15418 chromosomes of the Non-Finnish European subpopulation in the large and broad cohorts of the Genome Aggregation Database. The variant has been reported in ClinVar (Variation ID: 405672). In silico tools suggest the impact of the variant on protein function is inconclusive, though these predictions have not been confirmed by functional studies. The evidence is insufficient to meet ACMG/AMP criteria for classifying the variant as benign or pathogenic. Thus, the clinical significance of this variant is currently uncertain.

NM_006231.4(POLE):c.4735C>T (p.Arg1579Cys)

Gene: POLE (DNA polymerase epsilon, catalytic subunit; minus strand). Cytogenetic location: 12q24.33.
Variant type: single nucleotide variant.
Coding change: c.4735C>T on transcript NM_006231.4 (MANE Select); coding-DNA position 4735, C replaced by T.
Protein change: p.Arg1579Cys; replaces arginine 1579 with cysteine.
Molecular consequence: missense variant.
Genome position (GRCh38, 1-based): chr12:132,642,723, G>A on the plus strand (C>T on the coding strand, the complement: POLE is on the minus strand). VCF-style: chr12-132642723-G-A. GRCh37 (hg19) VCF-style: chr12-133219309-G-A.
Other names: c.4735C>T (NM_006231.2); short protein forms R1579C.
Identifiers: ClinVar variation 405672 (VCV000405672.10), dbSNP rs1060500802, ClinGen allele CA16613624.